The following is an entry in ClinVar:

ClinVar aggregate classification (germline): Uncertain significance (1 of 4 stars; one submission).

Submission:

Labcorp Genetics (formerly Invitae), Labcorp
Classification: Uncertain significance. Last evaluated: 2024-04-23. Review status: criteria provided, single submitter. Criteria: Invitae Variant Classification Sherloc (09022015). Collection method: clinical testing. Allele origin: germline.
Comment: This sequence change replaces arginine, which is basic and polar, with tryptophan, which is neutral and slightly polar, at codon 129 of the NTHL1 protein (p.Arg129Trp). This variant is not present in population databases (gnomAD no frequency). This variant has not been reported in the literature in individuals affected with NTHL1-related conditions. ClinVar contains an entry for this variant (Variation ID: 1999270). An algorithm developed to predict the effect of missense changes on protein structure and function (PolyPhen-2) suggests that this variant is likely to be disruptive. In summary, the available evidence is currently insufficient to determine the role of this variant in disease. Therefore, it has been classified as a Variant of Uncertain Significance.

NM_002528.7(NTHL1):c.361A>T (p.Arg121Trp)

Gene: NTHL1 (nth like DNA glycosylase 1; minus strand). Cytogenetic location: 16p13.3.
Variant type: single nucleotide variant.
Coding change: c.361A>T on transcript NM_002528.7 (MANE Select); coding-DNA position 361, A replaced by T.
Protein change: p.Arg121Trp; replaces arginine 121 with tryptophan.
Molecular consequence: missense variant. On other transcripts: intron variant (1).
Genome position (GRCh38, 1-based): chr16:2,044,794, T>A on the plus strand (A>T on the coding strand, the complement: NTHL1 is on the minus strand). VCF-style: chr16-2044794-T-A. GRCh37 (hg19) VCF-style: chr16-2094795-T-A.
Other names: c.31A>T, p.Arg11Trp (NM_001318194.2); c.355-1068A>T (NM_001318193.2); short protein forms R11W, R121W.
Identifiers: ClinVar variation 1999270 (VCV001999270.4), dbSNP rs2548316450, ClinGen allele CA394294787.